The following is an entry in ClinVar:

NM_001972.4(ELANE):c.598-3C>T

Gene: ELANE (elastase, neutrophil expressed; plus strand). Cytogenetic location: 19p13.3.
Variant type: single nucleotide variant.
Coding change: c.598-3C>T on transcript NM_001972.4 (MANE Select); 3 bases into the intron before coding-DNA position 598, C replaced by T.
Molecular consequence: intron variant.
Genome position (GRCh38, 1-based): chr19:855,955, C>T. VCF-style: chr19-855955-C-T. GRCh37 (hg19) VCF-style: chr19-855955-C-T.
Identifiers: ClinVar variation 4793611 (VCV004793611.1).

ClinVar aggregate classification (germline): Uncertain significance (1 of 4 stars; one submission).

Conditions:
Cyclical neutropenia. Also called: Cyclic Neutropenia; Cyclic hematopoiesis. Identifiers: Orphanet 2686, MedGen C0221023, MONDO:0008090, OMIM 162800, HP:0040289. Disease mechanism: loss of function.
Neutropenia, severe congenital, 1, autosomal dominant. Identifiers: MedGen C1859966, MONDO:0042490, OMIM 202700.

Submission:

Labcorp Genetics (formerly Invitae), Labcorp
Classification: Uncertain significance for Neutropenia, severe congenital, 1, autosomal dominant; Cyclical neutropenia. Last evaluated: 2026-01-13. Review status: criteria provided, single submitter. Criteria: Invitae Variant Classification Sherloc (09022015). Collection method: clinical testing. Allele origin: germline.
Comment: This sequence change falls in intron 4 of the ELANE gene. It does not directly change the encoded amino acid sequence of the ELANE protein. It affects a nucleotide within the consensus splice site. This variant is not present in population databases (gnomAD no frequency). This variant has not been reported in the literature in individuals affected with ELANE-related conditions. Variants that disrupt the consensus splice site are a relatively common cause of aberrant splicing (PMID: 17576681, 9536098). Algorithms developed to predict the effect of sequence changes on RNA splicing suggest that this variant is not likely to affect RNA splicing. In summary, the available evidence is currently insufficient to determine the role of this variant in disease. Therefore, it has been classified as a Variant of Uncertain Significance.

Literature cited by the submitters: PubMed 17576681; PubMed 9536098.